The following is an entry in ClinVar:

NM_005751.5(AKAP9):c.137A>G (p.Lys46Arg)

Gene: AKAP9 (A-kinase anchoring protein 9; plus strand). Cytogenetic location: 7q21.2.
Variant type: single nucleotide variant.
Coding change: c.137A>G on transcript NM_005751.5 (MANE Select); coding-DNA position 137, A replaced by G.
Protein change: p.Lys46Arg; replaces lysine 46 with arginine.
Molecular consequence: missense variant.
Genome position (GRCh38, 1-based): chr7:91,973,799, A>G. VCF-style: chr7-91973799-A-G. GRCh37 (hg19) VCF-style: chr7-91603113-A-G.
Other names: c.137A>G, p.Lys46Arg (NM_147185.3); short protein forms K46R.
Identifiers: ClinVar variation 1771244 (VCV001771244.2), dbSNP rs2484598729, ClinGen allele CA368118535.

ClinVar aggregate classification (germline): Uncertain significance (1 of 4 stars; one submission).

Conditions:
Cardiovascular phenotype. Identifiers: MedGen CN230736.

Submission:

Ambry Genetics
Classification: Uncertain significance for Cardiovascular phenotype. Last evaluated: 2019-12-04. Review status: criteria provided, single submitter. Criteria: Ambry Variant Classification Scheme 2023. Collection method: clinical testing. Allele origin: germline.
Comment: The p.K46R variant (also known as c.137A>G), located in coding exon 2 of the AKAP9 gene, results from an A to G substitution at nucleotide position 137. The lysine at codon 46 is replaced by arginine, an amino acid with highly similar properties. This amino acid position is well conserved in available vertebrate species. In addition, this alteration is predicted to be tolerated by in silico analysis. Since supporting evidence is limited at this time, the clinical significance of this alteration remains unclear.